The following is an entry in ClinVar:

NM_000518.5(HBB):c.126dup (p.Phe43fs)

Genes: HBB (hemoglobin subunit beta; minus strand), LOC106099062 (HBB recombination region; plus strand), LOC107133510 (origin of replication at HBB; plus strand). Cytogenetic location: 11p15.4.
Variant type: Duplication.
Coding change: c.126dup on transcript NM_000518.5 (MANE Select); coding-DNA position 126, one base duplicated (C; older notation c.126dupC).
Protein change: p.Phe43fs; shifts the reading frame from phenylalanine 43.
Molecular consequence: frameshift variant.
Genome position (GRCh38, 1-based): chr11:5,226,766, G duplicated on the plus strand (C on the coding strand, the reverse complement: HBB is on the minus strand). VCF-style (leftmost placement, unchanged base first): chr11-5226765-A-AG. GRCh37 (hg19) VCF-style: chr11-5247995-A-AG.
Other names: short protein forms F43fs.
Identifiers: ClinVar variation 1098798 (VCV001098798.1), dbSNP rs2133588679, ClinGen allele CA2499221077.
Genomic context (GRCh38, chr11:5,226,765, plus strand): 5'-CCTTCACCTTAGGGTTGCCCATAACAGCATCAGGAGTGGACAGATCCCCAAAGGACTCAA[A>AG]GAACCTCTGGGTCCAAGGGTAGACCACCAGCAGCCTAAGGGTGGGAAAATAGACCAATAG-3'

ClinVar aggregate classification (germline): Likely pathogenic (1 of 4 stars; one submission).

Conditions:
Hemoglobinopathy. Also called: Haemoglobinopathies; Hemoglobin disorder. Identifiers: MedGen C0019045, MONDO:0044348.

Submission:

Women's Health and Genetics/Laboratory Corporation of America, LabCorp
Classification: Likely pathogenic for Hemoglobinopathy. Last evaluated: 2021-05-11. Review status: criteria provided, single submitter. Criteria: LabCorp Variant Classification Summary - May 2015. Collection method: clinical testing. Allele origin: germline.
Comment: Variant summary: HBB c.126dupC (p.Phe43LeufsX2) results in a premature termination codon, predicted to cause a truncation of the encoded protein or absence of the protein due to nonsense mediated decay, which are commonly known mechanisms for disease. The variant was absent in 251398 control chromosomes (gnomAD). A similar frameshift variant (reported as CD42/43 +G) has been reported in the literature in at least an individual affected with Hemoglobinopathy (Thein_2013). To our knowledge, no experimental evidence demonstrating an impact on protein function has been reported. No clinical diagnostic laboratories have submitted clinical-significance assessments for this variant to ClinVar after 2014. Based on the evidence outlined above, the variant was classified as likely pathogenic.

Literature cited by the submitters: PubMed 7558879; PubMed 23637309; PubMed 25707679; PubMed 10975438.